The following is an entry in ClinVar:

ClinVar aggregate classification (germline): Uncertain significance. Review status: criteria provided, multiple submitters, no conflicts (2 of 4 stars). 2 submissions from 2 submitters: Uncertain significance (2). Last evaluated 2023-11-27.

Submissions (2):

Labcorp Genetics (formerly Invitae), Labcorp
Classification: Uncertain significance. Last evaluated: 2023-11-27. Review status: criteria provided, single submitter. Criteria: Invitae Variant Classification Sherloc (09022015). Collection method: clinical testing. Allele origin: germline.
Comment: This sequence change replaces aspartic acid, which is acidic and polar, with asparagine, which is neutral and polar, at codon 168 of the GUCA1A protein (p.Asp168Asn). This variant is not present in population databases (gnomAD no frequency). This variant has not been reported in the literature in individuals affected with GUCA1A-related conditions. ClinVar contains an entry for this variant (Variation ID: 1057369). An algorithm developed to predict the effect of missense changes on protein structure and function (PolyPhen-2) suggests that this variant is likely to be tolerated. In summary, the available evidence is currently insufficient to determine the role of this variant in disease. Therefore, it has been classified as a Variant of Uncertain Significance.

Blueprint Genetics
Classification: Uncertain significance. Last evaluated: 2021-10-11. Review status: criteria provided, single submitter. Criteria: ACMG Guidelines, 2015. Collection method: clinical testing. Allele origin: germline.

NM_001384910.1(GUCA1A):c.502G>A (p.Asp168Asn)

Genes: GUCA1A (guanylate cyclase activator 1A; plus strand), GUCA1ANB-GUCA1A (GUCA1ANB-GUCA1A readthrough; plus strand). Cytogenetic location: 6p21.1.
Variant type: single nucleotide variant.
Coding change: c.502G>A on transcript NM_001384910.1 (MANE Select); coding-DNA position 502, G replaced by A.
Protein change: p.Asp168Asn; replaces aspartic acid 168 with asparagine.
Molecular consequence: missense variant.
Genome position (GRCh38, 1-based): chr6:42,179,299, G>A. VCF-style: chr6-42179299-G-A. GRCh37 (hg19) VCF-style: chr6-42147037-G-A.
Other names: c.502G>A, p.Asp168Asn (NM_000409.5, NM_001319061.2, NM_001319062.2); short protein forms D168N.
Identifiers: ClinVar variation 1057369 (VCV001057369.10), dbSNP rs1562059752, ClinGen allele CA364110321.